The following is an entry in ClinVar:

NM_000257.4(MYH7):c.3560C>T (p.Ala1187Val)

Gene: MYH7 (myosin heavy chain 7; minus strand). Cytogenetic location: 14q11.2.
Variant type: single nucleotide variant.
Coding change: c.3560C>T on transcript NM_000257.4 (MANE Select); coding-DNA position 3560, C replaced by T.
Protein change: p.Ala1187Val; replaces alanine 1187 with valine.
Molecular consequence: missense variant.
Genome position (GRCh38, 1-based): chr14:23,420,011, G>A on the plus strand (C>T on the coding strand, the complement: MYH7 is on the minus strand). VCF-style: chr14-23420011-G-A. GRCh37 (hg19) VCF-style: chr14-23889220-G-A.
Other names: c.3560C>T, p.Ala1187Val (NM_001407004.1); short protein forms A1187V.
Identifiers: ClinVar variation 2773914 (VCV002773914.2), dbSNP rs2502264383, ClinGen allele CA389043467.
Genomic context (GRCh38, chr14:23,420,011, plus strand): 5'-ATCTGCTCGCCCAGCTCGGCCACGCTGTCGGCGTGCTTCTTGCGCAGGGCCGCGGCAGTG[G>A]CCTCGTGCTGCAGCGTGGCCTCCTCCAGGTCCCGCCGCATCTTCTGGAACTCGGCCTCGC-3'
Protein context (NP_000248.2, residues 1177-1197): DLEEATLQHE[Ala1187Val]TAAALRKKHA

ClinVar aggregate classification (germline): Uncertain significance (1 of 4 stars; one submission).

Conditions:
Cardiomyopathy (CMYO). Also called: Cardiomyopathies. Identifiers: Orphanet 167848, MedGen C0878544, MONDO:0004994, HP:0001638. Inheritance: Various modes of inheritance.

Submission:

Color Diagnostics, LLC DBA Color Health
Classification: Uncertain significance for Cardiomyopathy. Last evaluated: 2023-10-12. Review status: criteria provided, single submitter. Criteria: ACMG Guidelines, 2015. Collection method: clinical testing. Allele origin: germline.
Comment: This missense variant replaces alanine with valine at codon 1187 of the MYH7 protein. Computational prediction suggests that this variant may have a deleterious impact on protein structure and function (internally defined REVEL score threshold >= 0.7, PMID: 27666373). To our knowledge, functional studies have not been reported for this variant. This variant has not been reported in individuals affected with MYH7-related disorders in the literature. This variant has not been identified in the general population by the Genome Aggregation Database (gnomAD). The available evidence is insufficient to determine the role of this variant in disease conclusively. Therefore, this variant is classified as a Variant of Uncertain Significance.